The following is an entry in ClinVar:

ClinVar aggregate classification (germline): Likely pathogenic (1 of 4 stars; one submission).

Allele frequency attached by ClinVar (database versions not stated): ESP Exome Variant Server 0.00008; TOPMed 0.00001; gnomAD 0.00001.
gnomAD v4.1: 14 of 1,613,988 alleles (0.00087%); highest among the groups gnomAD compares: African/African-American, 0.0053%; no homozygotes.

Submission:

GeneDx
Classification: Likely pathogenic. Last evaluated: 2023-02-16. Review status: criteria provided, single submitter. Criteria: GeneDx Variant Classification Process June 2021. Collection method: clinical testing. Allele origin: germline. Affected: yes.
Comment: Not observed at significant frequency in large population cohorts (gnomAD); In silico analysis supports that this missense variant has a deleterious effect on protein structure/function; This variant is associated with the following publications: (PMID: 36555929)

NM_001206744.2(TPO):c.1804C>T (p.Arg602Cys)

Genes: LALTOP (lung cancer associated lncRNA targeting TOP2A; minus strand), TPO (thyroid peroxidase; plus strand). Cytogenetic location: 2p25.3.
Variant type: single nucleotide variant.
Coding change: c.1804C>T on transcript NM_001206744.2 (MANE Select); coding-DNA position 1804, C replaced by T.
Protein change: p.Arg602Cys; replaces arginine 602 with cysteine.
Molecular consequence: missense variant.
Genome position (GRCh38, 1-based): chr2:1,493,837, C>T. VCF-style: chr2-1493837-C-T. GRCh37 (hg19) VCF-style: chr2-1497609-C-T.
Other names: c.1804C>T, p.Arg602Cys (NM_000547.6, NM_175721.3); c.1633C>T, p.Arg545Cys (NM_001206745.2, NM_175719.4); c.1285C>T, p.Arg429Cys (NM_175722.3); short protein forms R602C, R429C, R545C.
Identifiers: ClinVar variation 449779 (VCV000449779.3), dbSNP rs372225161, ClinGen allele CA41424244.
Genomic context (GRCh38, chr2:1,493,837, plus strand): 5'-ACCCTGCAGCCTCTCCCCTGTGCAGGTTACAATGAGTGGAGGGAGTTCTGCGGCCTGCCT[C>T]GCCTGGAGACCCCCGCTGACCTGAGCACAGCCATCGCCAGCAGGAGCGTGGCCGACAAGA-3'
Protein context (NP_001193673.1, residues 592-612): NEWREFCGLP[Arg602Cys]LETPADLSTA